The following is an entry in ClinVar:

ClinVar aggregate classification (germline): Likely pathogenic. Review status: criteria provided, single submitter (1 of 4 stars). 2 submissions from 1 submitter: Likely pathogenic (1). 1 of the submissions does not count toward it.

Conditions:
Abnormal facial shape. Also called: Dysmorphic facial features; Dysmorphic facies. Identifiers: MedGen C0424503, HP:0001999.
Hirsutism. Identifiers: MedGen C0019572, HP:0001007.
Abnormality of the skeletal system. Identifiers: MedGen C4021790, HP:0000924.
Severe intellectual disability. Identifiers: MedGen C0036857, HP:0010864.

Submissions (2):

Genomic Medicine Center of Excellence, King Faisal Specialist Hospital and Research Centre
Classification: Likely pathogenic. Review status: criteria provided, single submitter. Criteria: ACMG Guidelines, 2015. Collection method: research. Allele origin: germline. Affected: yes.

Genomic Medicine Center of Excellence, King Faisal Specialist Hospital and Research Centre
Classification: Likely pathogenic for Severe Intellectual disability; Hirsutism; Dysmorphic facies; Skeletal abnormalities. Last evaluated: 2014-12-01. Review status: flagged submission. Criteria: research. Collection method: research. Allele origin: germline. Affected: yes. Not counted in ClinVar's aggregate classification.
ClinVar note: Reason: This record appears to be redundant with a more recent record from the same submitter.
ClinVar note: Notes: SCV000196391 appears to be redundant with SCV000221685.

Literature cited by the submitters: PubMed 25558065.

NM_018896.5(CACNA1G):c.664TTC[1] (p.Phe223del)

Gene: CACNA1G (calcium voltage-gated channel subunit alpha1 G; plus strand). Cytogenetic location: 17q21.33.
Variant type: Microsatellite.
Coding change: c.664TTC[1] on transcript NM_018896.5 (MANE Select); one copy of the 3-base unit TTC starting at c.664; the reference has two copies in a row; one copy, 3 bases deleted.
Protein change: p.Phe223del; deletes phenylalanine 223.
Molecular consequence: inframe deletion. On other transcripts: non-coding transcript variant (5).
Genome position (GRCh38, 1-based): chr17:50,571,958-50,571,960, TTC deleted; deleting any 3 consecutive bases within chr17:50,571,953-50,571,960 gives the same sequence; the position shown is the placement nearest the transcript's 3' end. VCF-style (leftmost placement, unchanged base first): chr17-50571952-GTCT-G. GRCh37 (hg19) VCF-style: chr17-48649313-GTCT-G.
Other names: c.664TTC[1], p.Phe223del (NM_001256324.2, NM_001256325.2, NM_001256326.2 and 24 more transcripts); c.667_669delTTC (NM_198382.2); short protein forms F223del.
Identifiers: ClinVar variation 183285 (VCV000183285.1), dbSNP rs730882202, ClinGen allele CA236408.